The following is an entry in ClinVar:

NM_000719.7(CACNA1C):c.2723T>C (p.Phe908Ser)

Gene: CACNA1C (calcium voltage-gated channel subunit alpha1 C; plus strand). Cytogenetic location: 12p13.33.
Variant type: single nucleotide variant.
Coding change: c.2723T>C on transcript NM_000719.7 (MANE Select); coding-DNA position 2723, T replaced by C.
Protein change: p.Phe908Ser; replaces phenylalanine 908 with serine.
Molecular consequence: missense variant.
Genome position (GRCh38, 1-based): chr12:2,595,933, T>C. VCF-style: chr12-2595933-T-C. GRCh37 (hg19) VCF-style: chr12-2705099-T-C.
Other names: c.2723T>C, p.Phe908Ser (NM_001129829.2, NM_001129830.3, NM_001129831.2 and 18 more transcripts); c.2714T>C, p.Phe905Ser (NM_001129844.2); short protein forms F905S, F908S.
Identifiers: ClinVar variation 3016203 (VCV003016203.3), dbSNP rs2516823801, ClinGen allele CA383372497.

ClinVar aggregate classification (germline): Uncertain significance (1 of 4 stars; one submission).

Conditions:
Long QT syndrome (LQTS). Identifiers: MedGen C0023976, MeSH D008133, MONDO:0002442. Disease mechanism: loss of function. Inheritance: Various modes of inheritance.

Allele frequency attached by ClinVar (database versions not stated): gnomAD exomes below 0.00001.
gnomAD v4.1: 1 of 1,613,726 alleles (0.000062%); highest among the groups gnomAD compares: Non-Finnish European, 0.000085%; no homozygotes.

Submission:

Labcorp Genetics (formerly Invitae), Labcorp
Classification: Uncertain significance for Long QT syndrome. Last evaluated: 2022-11-23. Review status: criteria provided, single submitter. Criteria: Invitae Variant Classification Sherloc (09022015). Collection method: clinical testing. Allele origin: germline.
Comment: In summary, the available evidence is currently insufficient to determine the role of this variant in disease. Therefore, it has been classified as a Variant of Uncertain Significance. Advanced modeling of protein sequence and biophysical properties (such as structural, functional, and spatial information, amino acid conservation, physicochemical variation, residue mobility, and thermodynamic stability) performed at Invitae indicates that this missense variant is not expected to disrupt CACNA1C protein function. This variant has not been reported in the literature in individuals affected with CACNA1C-related conditions. This variant is not present in population databases (gnomAD no frequency). This sequence change replaces phenylalanine, which is neutral and non-polar, with serine, which is neutral and polar, at codon 908 of the CACNA1C protein (p.Phe908Ser).